The following is an entry in ClinVar:

ClinVar aggregate classification (germline): Uncertain significance. Review status: criteria provided, multiple submitters, no conflicts (2 of 4 stars). 2 submissions from 2 submitters: Uncertain significance (2). Last evaluated 2022-07-06.

Conditions:
Alstrom syndrome (ALMS). Identifiers: Orphanet 64, MedGen C0268425, MONDO:0008763, OMIM 203800.
Cardiovascular phenotype. Identifiers: MedGen CN230736.

Allele frequency attached by ClinVar (database versions not stated): gnomAD exomes below 0.00001.
gnomAD v4.1: 1 of 1,614,116 alleles (0.000062%); highest among the groups gnomAD compares: Admixed American, 0.0017%; no homozygotes.

Submissions (2):

Labcorp Genetics (formerly Invitae), Labcorp
Classification: Uncertain significance for Alstrom syndrome. Last evaluated: 2022-07-06. Review status: criteria provided, single submitter. Criteria: Invitae Variant Classification Sherloc (09022015). Collection method: clinical testing. Allele origin: germline.
Comment: This sequence change replaces leucine, which is neutral and non-polar, with proline, which is neutral and non-polar, at codon 3624 of the ALMS1 protein (p.Leu3624Pro). This variant is present in population databases (no rsID available, gnomAD 0.007%). This variant has not been reported in the literature in individuals affected with ALMS1-related conditions. Experimental studies and prediction algorithms are not available or were not evaluated, and the functional significance of this variant is currently unknown. In summary, the available evidence is currently insufficient to determine the role of this variant in disease. Therefore, it has been classified as a Variant of Uncertain Significance.

Ambry Genetics
Classification: Uncertain significance for Cardiovascular phenotype. Last evaluated: 2022-04-11. Review status: criteria provided, single submitter. Criteria: Ambry Variant Classification Scheme 2023. Collection method: clinical testing. Allele origin: germline.
Comment: The p.L3624P variant (also known as c.10871T>C), located in coding exon 16 of the ALMS1 gene, results from a T to C substitution at nucleotide position 10871. The leucine at codon 3624 is replaced by proline, an amino acid with similar properties. This amino acid position is highly conserved in available vertebrate species. In addition, the in silico prediction for this alteration is inconclusive. Since supporting evidence is limited at this time, the clinical significance of this alteration remains unclear.

NM_001378454.1(ALMS1):c.10868T>C (p.Leu3623Pro)

Gene: ALMS1 (ALMS1 centrosome and basal body associated protein; plus strand). Cytogenetic location: 2p13.1.
Variant type: single nucleotide variant.
Coding change: c.10868T>C on transcript NM_001378454.1 (MANE Select); coding-DNA position 10868, T replaced by C.
Protein change: p.Leu3623Pro; replaces leucine 3623 with proline.
Molecular consequence: missense variant.
Genome position (GRCh38, 1-based): chr2:73,572,745, T>C. VCF-style: chr2-73572745-T-C. GRCh37 (hg19) VCF-style: chr2-73799872-T-C.
Other names: c.10871T>C, p.Leu3624Pro (NM_015120.4); short protein forms L3623P, L3624P.
Identifiers: ClinVar variation 1787854 (VCV001787854.4), dbSNP rs1285643974, ClinGen allele CA347285959.